The following is an entry in ClinVar:

NM_007294.4(BRCA1):c.4691T>C (p.Leu1564Pro)

Gene: BRCA1 (BRCA1 DNA repair associated; minus strand). Cytogenetic location: 17q21.31.
Variant type: single nucleotide variant.
Coding change: c.4691T>C on transcript NM_007294.4 (MANE Select); coding-DNA position 4691, T replaced by C.
Protein change: p.Leu1564Pro; replaces leucine 1564 with proline.
Molecular consequence: missense variant. On other transcripts: non-coding transcript variant (1).
Genome position (GRCh38, 1-based): chr17:43,071,223, A>G on the plus strand (T>C on the coding strand, the complement: BRCA1 is on the minus strand). VCF-style: chr17-43071223-A-G. GRCh37 (hg19) VCF-style: chr17-41223240-A-G.
Other names: p.L1564P:CTG>CCG; 4810T>C; c.4568T>C, p.Leu1523Pro (NM_001407919.1, NM_001407664.1, NM_001407665.1 and 6 more transcripts); c.4427T>C, p.Leu1476Pro (NM_001407920.1, NM_001407921.1, NM_001407922.1 and 4 more transcripts); c.4424T>C, p.Leu1475Pro (NM_001407927.1, NM_001407928.1, NM_001407929.1 and 4 more transcripts); c.4685T>C, p.Leu1562Pro (NM_001407641.1, NM_001407642.1, NM_001407627.1 and 14 more transcripts); c.4682T>C, p.Leu1561Pro (NM_001407644.1, NM_001407645.1); c.4679T>C, p.Leu1560Pro (NM_001407646.1); and 72 more; short protein forms L1564P, L1585P, L1517P, L460P, L1435P, L1453P, L1492P, L1493P.
Identifiers: ClinVar variation 55262 (VCV000055262.37), dbSNP rs56119278, ClinGen allele CA002980.

ClinVar aggregate classification (germline): Benign. Review status: reviewed by expert panel (3 of 4 stars). 20 submissions from 20 submitters: Benign (1). 19 of the submissions do not count toward it. Last evaluated 2015-08-10.

Conditions:
BRCA1-related disorder. Also called: BRCA1-related condition.
Hereditary cancer-predisposing syndrome. Also called: Hereditary Cancer Syndrome; Hereditary neoplastic syndrome; Neoplastic Syndromes, Hereditary; Tumor predisposition. Identifiers: Orphanet 140162, MedGen C0027672, MeSH D009386, MONDO:0015356.
Breast neoplasm. Also called: Neoplasm of the breast; Neoplasm of breast; Breast tumor; Breast Neoplasms. Identifiers: MedGen C1458155, MeSH D001943, MONDO:0021100, HP:0100013. Disease mechanism: gain of function.
BRCA1-related cancer predisposition. Identifiers: MedGen CN377757, MONDO:0700268.
Breast-ovarian cancer, familial, susceptibility to, 1 (BROVCA1). Also called: BRCA1 Hereditary Breast and Ovarian Cancer; OVARIAN CANCER, SUSCEPTIBILITY TO. Identifiers: Orphanet 145, MedGen C2676676, MONDO:0011450, OMIM 604370. Disease mechanism: loss of function.
Familial cancer of breast. Also called: hereditary breast carcinoma; BREAST CANCER, FAMILIAL; Hereditary breast cancer. Identifiers: Orphanet 227535, MedGen C0346153, MONDO:0016419, OMIM 114480. Disease mechanism: loss of function.
Fanconi anemia, complementation group S (FANCS). Identifiers: MedGen C4554406, MONDO:0054748, OMIM 617883.
Pancreatic cancer, susceptibility to, 4. Identifiers: Orphanet 1333, MedGen C3280442, MONDO:0013685, OMIM 614320.
Hereditary breast ovarian cancer syndrome. Also called: BRCA1- and BRCA2-Associated Hereditary Breast and Ovarian Cancer; Hereditary breast and ovarian cancer syndrome; Hereditary breast and ovarian cancer syndrome (HBOC); Breast and ovarian cancer; Hereditary breast and/or ovarian cancer syndrome; Hereditary breast and ovarian cancer. Identifiers: Orphanet 145, MedGen C0677776, MeSH D061325, MONDO:0003582. Disease mechanism: loss of function.

Allele frequency attached by ClinVar (database versions not stated): gnomAD 0.00054 and 0.00059; 1000 Genomes Project 30x 0.00125; ESP Exome Variant Server 0.00046; 1000 Genomes Project 0.00120; gnomAD exomes 0.00006 and 0.00016; TOPMed 0.00070; ExAC 0.00012.
gnomAD v4.1: 168 of 1,614,174 alleles (0.01%); highest among the groups gnomAD compares: African/African-American, 0.21%; 1 homozygote.

Submissions (20):

Evidence-based Network for the Interpretation of Germline Mutant Alleles (ENIGMA)
Classification: Benign for Breast-ovarian cancer, familial 1. Last evaluated: 2015-08-10. Review status: reviewed by expert panel. Criteria: ENIGMA BRCA1/2 Classification Criteria (2015). Collection method: curation. Allele origin: germline.
Comment: IARC class based on posterior probability from multifactorial likelihood analysis, thresholds for class as per Plon et al. 2008 (PMID: 18951446). Class 1 based on posterior probability = 0.000102

Labcorp Genetics (formerly Invitae), Labcorp
Classification: Benign for Hereditary breast ovarian cancer syndrome. Last evaluated: 2026-02-01. Review status: criteria provided, single submitter. Criteria: Invitae Variant Classification Sherloc (09022015). Collection method: clinical testing. Allele origin: germline. Not counted in ClinVar's aggregate classification.

All of Us Research Program, National Institutes of Health
Classification: Likely benign for BRCA1-related cancer predisposition. Last evaluated: 2024-09-23. Review status: criteria provided, single submitter. Criteria: ACMG Guidelines, 2015. Collection method: clinical testing. Allele origin: germline. Inheritance: Autosomal dominant inheritance. Observed: 60 variant alleles, 60 heterozygotes. Not counted in ClinVar's aggregate classification.
Comment: This study involves interpretation of variants in research participants for the purpose of population health screening. Participant phenotype was not available at the time of variant classification. Additional details can be found in publication PMID: 35346344, PMCID: PMC8962531

ARUP Laboratories, Molecular Genetics and Genomics, ARUP Laboratories
Classification: Benign. Last evaluated: 2024-01-04. Review status: criteria provided, single submitter. Criteria: ARUP Molecular Germline Variant Investigation Process 2024. Collection method: clinical testing. Allele origin: germline. Not counted in ClinVar's aggregate classification.

Institute for Biomarker Research, Medical Diagnostic Laboratories, L.L.C.
Classification: Benign for Hereditary breast ovarian cancer syndrome. Last evaluated: 2022-11-15. Review status: criteria provided, single submitter. Criteria: ACMG Guidelines, 2015. Collection method: clinical testing. Allele origin: germline. Not counted in ClinVar's aggregate classification.

Blueprint Genetics
Classification: Likely benign. Last evaluated: 2022-07-25. Review status: criteria provided, single submitter. Criteria: ACMG Guidelines, 2015. Collection method: clinical testing. Allele origin: germline. Not counted in ClinVar's aggregate classification.

Fulgent Genetics
Classification: Benign for Familial cancer of breast; Breast-ovarian cancer, familial, susceptibility to, 1; Pancreatic cancer, susceptibility to, 4; Fanconi anemia, complementation group S. Last evaluated: 2022-02-08. Review status: criteria provided, single submitter. Criteria: ACMG Guidelines, 2015. Collection method: clinical testing. Allele origin: unknown. Not counted in ClinVar's aggregate classification.

Sema4
Classification: Likely benign for Hereditary cancer-predisposing syndrome. Last evaluated: 2020-11-11. Review status: criteria provided, single submitter. Criteria: Sema4 Curation Guidelines. Collection method: curation. Allele origin: germline. Not counted in ClinVar's aggregate classification.

Genetic Services Laboratory, University of Chicago
Classification: Likely benign. Last evaluated: 2019-06-11. Review status: criteria provided, single submitter. Criteria: ACMG Guidelines, 2015. Collection method: clinical testing. Allele origin: germline. Affected: no. Not counted in ClinVar's aggregate classification.

Mendelics
Classification: Benign for Breast-ovarian cancer, familial, susceptibility to, 1. Last evaluated: 2019-05-28. Review status: criteria provided, single submitter. Criteria: Mendelics Assertion Criteria 2017. Collection method: clinical testing. Allele origin: unknown. Not counted in ClinVar's aggregate classification.

GeneDx
Classification: Benign. Last evaluated: 2017-06-27. Review status: criteria provided, single submitter. Criteria: GeneDx Variant Classification (06012015). Collection method: clinical testing. Allele origin: germline. Affected: yes. Not counted in ClinVar's aggregate classification.
Comment: This variant is considered likely benign or benign based on one or more of the following criteria: it is a conservative change, it occurs at a poorly conserved position in the protein, it is predicted to be benign by multiple in silico algorithms, and/or has population frequency not consistent with disease.

Women's Health and Genetics/Laboratory Corporation of America, LabCorp
Classification: Benign. Last evaluated: 2016-03-17. Review status: criteria provided, single submitter. Criteria: LabCorp Variant Classification Summary - May 2015. Collection method: clinical testing. Allele origin: germline. Not counted in ClinVar's aggregate classification.
Comment: Variant summary: Variant affects a non-conserved nucleotide and results in a replacement of a medium size and hydrophobic Leucine (L) with a medium size and hydrophobic Proline (P). 3/4 in silico tools predict the variant to be neutral. It was observed predominantly in the African subcohorts of the ExAC project at an allele frequency of 0.13% which slightly exceeds the maximal expected allele frequency of a disease causing BRCA1 allele (0.1%). It was reported in several HBOC spectrum patients however without strong evidence for pathogenicity. The variant was observed to co-occur with pathogenic/possibly pathogenic BRCA1 and BRCA2 variants such as BRCA1 p.C64Y; p.Lys1290Ter, p.Val738fs, c.824ins10 and BRCA2 p.Lys1872_Ile1874fs indicating neutrality. A benign impact is also supported by computational analysis that integrated multiple forms of genetic evidence for the variant of interest (Lindor_2012). Carvalho_2007 showed decreased transcriptional activity in yeast and mammalian cells; however, Hayes_2000 showed transcription activation of the variant is comparable to wild-type BRCA1 in yeast. In addition, multiple literature and reputable databases/clinical laboratories classify this variant as likely benign or benign. Considering all evidence, the variant was classified as Benign.

Color Diagnostics, LLC DBA Color Health
Classification: Likely benign for Hereditary cancer-predisposing syndrome. Last evaluated: 2015-05-05. Review status: criteria provided, single submitter. Criteria: ACMG Guidelines, 2015. Collection method: clinical testing. Allele origin: germline. Not counted in ClinVar's aggregate classification.

Ambry Genetics
Classification: Benign for Hereditary cancer-predisposing syndrome. Last evaluated: 2014-11-18. Review status: criteria provided, single submitter. Criteria: Ambry Variant Classification Scheme 2023. Collection method: clinical testing. Allele origin: germline. Not counted in ClinVar's aggregate classification.

Breakthrough Genomics
Classification: Benign. Review status: criteria provided, single submitter. Criteria: ACMG Guidelines, 2015. Collection method: not provided. Allele origin: germline. Inheritance: Autosomal recessive inheritance. Affected: yes. Not counted in ClinVar's aggregate classification.

PreventionGenetics, part of Exact Sciences
Classification: Benign for BRCA1-related condition. Last evaluated: 2024-08-30. Review status: no assertion criteria provided. Collection method: clinical testing. Allele origin: germline. Not counted in ClinVar's aggregate classification.
Comment: This variant is classified as benign based on ACMG/AMP sequence variant interpretation guidelines (Richards et al. 2015 PMID: 25741868, with internal and published modifications).

True Health Diagnostics
Classification: Likely benign for Hereditary cancer-predisposing syndrome. Last evaluated: 2018-01-03. Review status: no assertion criteria provided. Collection method: clinical testing. Allele origin: germline. Not counted in ClinVar's aggregate classification.

CSER _CC_NCGL, University of Washington
Classification: Likely benign for Breast cancer. Last evaluated: 2014-06-01. Review status: no assertion criteria provided. Collection method: research. Allele origin: germline. Inheritance: Autosomal dominant inheritance. Study: ESP 6500 variant annotation. Not counted in ClinVar's aggregate classification.
Comment: Variants classified for the Actionable exomic incidental findings in 6503 participants: challenges of variant classification manuscript

ITMI
No classification provided. Condition: AllHighlyPenetrant. Last evaluated: 2013-09-19. Review status: no classification provided. Collection method: reference population. Allele origin: germline. Not counted in ClinVar's aggregate classification.
Comment: Please see associated publication for description of ethnicities

Breast Cancer Information Core (BIC) (BRCA1)
Classification: Benign for Breast-ovarian cancer, familial 1. Last evaluated: 2002-05-29. Review status: no assertion criteria provided. Collection method: clinical testing. Allele origin: germline. Affected: yes. Observed: 12 variant alleles. Not counted in ClinVar's aggregate classification.

Literature cited by the submitters: PubMed 21990134 (cited by Evidence-based Network for the Interpretation of Germline Mutant Alleles (ENIGMA) and Women's Health and Genetics/Laboratory Corporation of America, LabCorp); PubMed 16014699 (cited by Women's Health and Genetics/Laboratory Corporation of America, LabCorp); PubMed 23231788 (cited by Women's Health and Genetics/Laboratory Corporation of America, LabCorp); PubMed 24728327 (cited by Women's Health and Genetics/Laboratory Corporation of America, LabCorp and ITMI); PubMed 10480351 (cited by Women's Health and Genetics/Laboratory Corporation of America, LabCorp); PubMed 23555315 (cited by Women's Health and Genetics/Laboratory Corporation of America, LabCorp); PubMed 12491487 (cited by Women's Health and Genetics/Laboratory Corporation of America, LabCorp); PubMed 16030099 (cited by Women's Health and Genetics/Laboratory Corporation of America, LabCorp); PubMed 22753008 (cited by Women's Health and Genetics/Laboratory Corporation of America, LabCorp); PubMed 10811118 (cited by Women's Health and Genetics/Laboratory Corporation of America, LabCorp); PubMed 16267036 (cited by Women's Health and Genetics/Laboratory Corporation of America, LabCorp); PubMed 21120943 (cited by Women's Health and Genetics/Laboratory Corporation of America, LabCorp); PubMed 17308087 (cited by Women's Health and Genetics/Laboratory Corporation of America, LabCorp); PubMed 23704879 (cited by Women's Health and Genetics/Laboratory Corporation of America, LabCorp); PubMed 24055113 (cited by Women's Health and Genetics/Laboratory Corporation of America, LabCorp); PubMed 15726418 (cited by Women's Health and Genetics/Laboratory Corporation of America, LabCorp).